The following is an entry in ClinVar:

ClinVar aggregate classification (germline): Conflicting classifications of pathogenicity. Review status: criteria provided, conflicting classifications (1 of 4 stars). 4 submissions from 4 submitters: Uncertain significance (2); Benign (1); Likely benign (1). Last evaluated 2026-10-01.

Conditions:
Inborn genetic diseases. Identifiers: MedGen C0950123, MeSH D030342.
Exostoses, multiple, type 2 (EXT2). Also called: EXOSTOSES, MULTIPLE, TYPE II; Hereditary Multiple Osteochondromatosis, Type II. Identifiers: Orphanet 321, MedGen C1851413, MONDO:0007586, OMIM 133701.

Allele frequency attached by ClinVar (database versions not stated): ExAC 0.00002; gnomAD exomes 0.00004 and 0.00005; gnomAD 0.00006; TOPMed 0.00007; 1000 Genomes Project 30x 0.00031; 1000 Genomes Project 0.00040.
gnomAD v4.1: 77 of 1,614,102 alleles (0.0048%); highest among the groups gnomAD compares: Middle Eastern, 0.016%; no homozygotes.

Submissions (4):

St. Jude Molecular Pathology, St. Jude Children's Research Hospital
Classification: Uncertain significance for Exostoses, multiple, type 2. Last evaluated: 2026-10-01. Review status: criteria provided, single submitter. Criteria: St. Jude Assertion Criteria 2020. Collection method: clinical testing. Allele origin: germline.
Comment: The EXT2 c.1348C>T p.(Arg450Trp) missense change has a maximum subpopulation frequency of 0.02% in gnomAD v2.1.1. The in silico tool REVEL predicts a deleterious effect on protein function, but to our knowledge this predic tion has not been confirmed by functional studies. To our knowledge, this variant has not been reported in individuals with hereditary multiple exostoses. In summary, the evidence currently available is insufficient to determine the clinical significance of this variant. It has therefore been classified as of uncertain significance.

Ambry Genetics
Classification: Uncertain significance for Inborn genetic diseases. Last evaluated: 2026-04-09. Review status: criteria provided, single submitter. Criteria: Ambry Variant Classification Scheme 2023. Collection method: clinical testing. Allele origin: germline.

Labcorp Genetics (formerly Invitae), Labcorp
Classification: Likely benign for Exostoses, multiple, type 2. Last evaluated: 2025-12-08. Review status: criteria provided, single submitter. Criteria: Invitae Variant Classification Sherloc (09022015). Collection method: clinical testing. Allele origin: germline.

Illumina Laboratory Services, Illumina
Classification: Benign for Exostoses, multiple, type 2. Last evaluated: 2018-01-12. Review status: criteria provided, single submitter. Criteria: ICSL Variant Classification Criteria 13 December 2019. Collection method: clinical testing. Allele origin: germline.
Comment: This variant was observed in the ICSL laboratory as part of a predisposition screen in an ostensibly healthy population. It had not been previously curated by ICSL or reported in the Human Gene Mutation Database (HGMD: prior to June 1st, 2018), and was therefore a candidate for classification through an automated scoring system. Utilizing variant allele frequency, disease prevalence and penetrance estimates, and inheritance mode, an automated score was calculated to assess if this variant is too frequent to cause the disease. Based on the score and internal cut-off values, a variant classified as benign is not then subjected to further curation. The score for this variant resulted in a classification of benign for this disease.

NM_207122.2(EXT2):c.1249C>T (p.Arg417Trp)

Gene: EXT2 (exostosin glycosyltransferase 2; plus strand). Cytogenetic location: 11p11.2.
Variant type: single nucleotide variant.
Coding change: c.1249C>T on transcript NM_207122.2 (MANE Select); coding-DNA position 1249, C replaced by T.
Protein change: p.Arg417Trp; replaces arginine 417 with tryptophan.
Molecular consequence: missense variant.
Genome position (GRCh38, 1-based): chr11:44,171,686, C>T. VCF-style: chr11-44171686-C-T. GRCh37 (hg19) VCF-style: chr11-44193236-C-T.
Other names: c.1348C>T, p.Arg450Trp (NM_000401.3); c.1279C>T, p.Arg427Trp (NM_001178083.3); c.1249C>T, p.Arg417Trp (NM_001389628.1, NM_001389630.1); short protein forms R450W, R417W, R427W.
Identifiers: ClinVar variation 879621 (VCV000879621.11), dbSNP rs540229057, ClinGen allele CA5955200.
Genomic context (GRCh38, chr11:44,171,686, plus strand): 5'-GAAGCGTACTTCCAGTCAATTAAAGCCATTGCCCTGGCCACCCTGCAGATTATCAATGAC[C>T]GGATCTATCCATATGCTGCCATCTCCTATGAAGAATGGAATGACCCTCCTGCTGTGGTAA-3'
Protein context (NP_997005.1, residues 407-427): ALATLQIIND[Arg417Trp]IYPYAAISYE